The following is an entry in ClinVar:

NM_004260.4(RECQL4):c.2978T>C (p.Val993Ala)

Gene: RECQL4 (RecQ like helicase 4; minus strand). Cytogenetic location: 8q24.3.
Variant type: single nucleotide variant.
Coding change: c.2978T>C on transcript NM_004260.4 (MANE Select); coding-DNA position 2978, T replaced by C.
Protein change: p.Val993Ala; replaces valine 993 with alanine.
Molecular consequence: missense variant.
Genome position (GRCh38, 1-based): chr8:144,512,469, A>G on the plus strand (T>C on the coding strand, the complement: RECQL4 is on the minus strand). VCF-style: chr8-144512469-A-G. GRCh37 (hg19) VCF-style: chr8-145737852-A-G.
Other names: short protein forms V993A.
Identifiers: ClinVar variation 1463290 (VCV001463290.6), dbSNP rs2130662892, ClinGen allele CA372673011.

ClinVar aggregate classification (germline): Uncertain significance (1 of 4 stars; one submission).

Conditions:
Baller-Gerold syndrome (BGS). Also called: CRANIOSYNOSTOSIS WITH RADIAL DEFECTS. Identifiers: Orphanet 1225, MedGen C0265308, MONDO:0009039, OMIM 218600.

Submission:

Labcorp Genetics (formerly Invitae), Labcorp
Classification: Uncertain significance for Baller-Gerold syndrome. Last evaluated: 2022-07-08. Review status: criteria provided, single submitter. Criteria: Invitae Variant Classification Sherloc (09022015). Collection method: clinical testing. Allele origin: germline.
Comment: This variant has not been reported in the literature in individuals affected with RECQL4-related conditions. This variant is not present in population databases (gnomAD no frequency). This sequence change replaces valine, which is neutral and non-polar, with alanine, which is neutral and non-polar, at codon 993 of the RECQL4 protein (p.Val993Ala). In summary, the available evidence is currently insufficient to determine the role of this variant in disease. Therefore, it has been classified as a Variant of Uncertain Significance. Experimental studies and prediction algorithms are not available or were not evaluated, and the functional significance of this variant is currently unknown. ClinVar contains an entry for this variant (Variation ID: 1463290).